The following is an entry in ClinVar:

NM_000038.6(APC):c.618C>T (p.Thr206=)

Gene: APC (APC regulator of Wnt signaling pathway; plus strand). Cytogenetic location: 5q22.2.
Variant type: single nucleotide variant.
Coding change: c.618C>T on transcript NM_000038.6 (MANE Select); coding-DNA position 618, C replaced by T.
Protein change: p.Thr206=; no amino-acid change (threonine 206 retained).
Molecular consequence: synonymous variant. On other transcripts: 5 prime UTR variant (4), non-coding transcript variant (2).
Genome position (GRCh38, 1-based): chr5:112,780,876, C>T. VCF-style: chr5-112780876-C-T. GRCh37 (hg19) VCF-style: chr5-112116573-C-T.
Other names: c.618C>T (NM_000038.5); c.618C>T, p.Thr206= (NM_001127510.3, NM_001354895.2, NM_001354896.2 and 16 more transcripts); c.648C>T, p.Thr216= (NM_001127511.3, NM_001354897.2, NM_001354902.2 and 1 more transcripts); c.543C>T, p.Thr181= (NM_001354898.2, NM_001354904.2, NM_001407451.1); c.441C>T, p.Thr147= (NM_001354900.2, NM_001354901.2, NM_001354905.2 and 1 more transcripts); c.-418C>T (NM_001354906.2, NM_001407470.1, NM_001407471.1 and 1 more transcripts).
Identifiers: ClinVar variation 1965679 (VCV001965679.8), dbSNP rs1554072631, ClinGen allele CA445755521.

ClinVar aggregate classification (germline): Benign/Likely benign. Review status: criteria provided, multiple submitters, no conflicts (2 of 4 stars). 4 submissions from 4 submitters: Benign (1); Likely benign (3). Last evaluated 2025-06-23.

Conditions:
Hereditary cancer-predisposing syndrome. Also called: Tumor predisposition; Hereditary Cancer Syndrome; Hereditary neoplastic syndrome; Neoplastic Syndromes, Hereditary. Identifiers: Orphanet 140162, MedGen C0027672, MeSH D009386, MONDO:0015356.
Familial adenomatous polyposis 1 (FAP1). Also called: POLYPOSIS, ADENOMATOUS INTESTINAL; FAMILIAL ADENOMATOUS POLYPOSIS 1, ATTENUATED. Identifiers: MedGen C2713442, MONDO:0021056, OMIM 175100. Disease mechanism: loss of function.

Allele frequency attached by ClinVar (database versions not stated): gnomAD exomes below 0.00001.
gnomAD v4.1: 1 of 1,612,266 alleles (0.000062%); highest among the groups gnomAD compares: African/African-American, 0.0013%; no homozygotes.

Submissions (4):

Color Diagnostics, LLC DBA Color Health
Classification: Likely benign for Hereditary cancer-predisposing syndrome. Last evaluated: 2025-06-23. Review status: criteria provided, single submitter. Criteria: ACMG Guidelines, 2015. Collection method: clinical testing. Allele origin: germline.

Ambry Genetics
Classification: Likely benign for Hereditary cancer-predisposing syndrome. Last evaluated: 2024-06-15. Review status: criteria provided, single submitter. Criteria: Ambry Variant Classification Scheme 2023. Collection method: clinical testing. Allele origin: germline.

Myriad Genetics, Inc.
Classification: Benign for Familial adenomatous polyposis 1. Last evaluated: 2024-02-26. Review status: criteria provided, single submitter. Criteria: Myriad Autosomal Dominant, Autosomal Recessive and X-Linked Classification Criteria (2023). Collection method: clinical testing. Allele origin: unknown.
Comment: This variant is considered benign. This variant is a silent/synonymous amino acid change and it is not expected to impact splicing.

Labcorp Genetics (formerly Invitae), Labcorp
Classification: Likely benign for Familial adenomatous polyposis 1. Last evaluated: 2022-05-12. Review status: criteria provided, single submitter. Criteria: Invitae Variant Classification Sherloc (09022015). Collection method: clinical testing. Allele origin: germline.